The following is an entry in ClinVar:

ClinVar aggregate classification (germline): Likely benign. Review status: criteria provided, multiple submitters, no conflicts (2 of 4 stars). 3 submissions from 3 submitters: Likely benign (3). Last evaluated 2025-09-03.

Conditions:
CDK13-related disorder. Also called: CDK13-related condition. Identifiers: MedGen C5816700.
Inborn genetic diseases. Identifiers: MedGen C0950123, MeSH D030342.

Allele frequency attached by ClinVar (database versions not stated): TOPMed 0.00002; gnomAD 0.00003; gnomAD exomes 0.00008; ExAC 0.00019; 1000 Genomes Project 0.00040; 1000 Genomes Project 30x 0.00047.
gnomAD v4.1: 134 of 1,611,424 alleles (0.0083%); highest among the groups gnomAD compares: South Asian, 0.11%; no homozygotes.

Submissions (3):

PreventionGenetics, part of Exact Sciences
Classification: Likely benign for CDK13-related condition. Last evaluated: 2025-09-03. Review status: criteria provided, single submitter. Criteria: ACMG Guidelines, 2015. Collection method: clinical testing. Allele origin: germline.
Comment: This variant is classified as likely benign based on ACMG/AMP sequence variant interpretation guidelines (Richards et al. 2015 PMID: 25741868, with internal and published modifications).

Labcorp Genetics (formerly Invitae), Labcorp
Classification: Likely benign. Last evaluated: 2025-08-29. Review status: criteria provided, single submitter. Criteria: Invitae Variant Classification Sherloc (09022015). Collection method: clinical testing. Allele origin: germline.

Ambry Genetics
Classification: Likely benign for Inborn genetic diseases. Last evaluated: 2021-12-03. Review status: criteria provided, single submitter. Criteria: Ambry Variant Classification Scheme 2023. Collection method: clinical testing. Allele origin: germline.

NM_003718.5(CDK13):c.4108G>C (p.Gly1370Arg)

Gene: CDK13 (cyclin dependent kinase 13; plus strand). Cytogenetic location: 7p14.1.
Variant type: single nucleotide variant.
Coding change: c.4108G>C on transcript NM_003718.5 (MANE Select); coding-DNA position 4108, G replaced by C.
Protein change: p.Gly1370Arg; replaces glycine 1370 with arginine.
Molecular consequence: missense variant.
Genome position (GRCh38, 1-based): chr7:40,094,549, G>C. VCF-style: chr7-40094549-G-C. GRCh37 (hg19) VCF-style: chr7-40134148-G-C.
Other names: c.3928G>C, p.Gly1310Arg (NM_031267.4); short protein forms G1310R, G1370R.
Identifiers: ClinVar variation 2378566 (VCV002378566.6), dbSNP rs565985025, ClinGen allele CA4229082.